The following is an entry in ClinVar:

NM_004655.4(AXIN2):c.2023C>T (p.Arg675Cys)

Gene: AXIN2 (axin 2; minus strand). Cytogenetic location: 17q24.1.
Variant type: single nucleotide variant.
Coding change: c.2023C>T on transcript NM_004655.4 (MANE Select); coding-DNA position 2023, C replaced by T.
Protein change: p.Arg675Cys; replaces arginine 675 with cysteine.
Molecular consequence: missense variant.
Genome position (GRCh38, 1-based): chr17:65,536,438, G>A on the plus strand (C>T on the coding strand, the complement: AXIN2 is on the minus strand). VCF-style: chr17-65536438-G-A. GRCh37 (hg19) VCF-style: chr17-63532556-G-A.
Other names: c.1828C>T, p.Arg610Cys (NM_001363813.1); short protein forms R675C, R610C.
Identifiers: ClinVar variation 937523 (VCV000937523.10), dbSNP rs765149006, ClinGen allele CA8718425.

ClinVar aggregate classification (germline): Conflicting classifications of pathogenicity. Review status: criteria provided, conflicting classifications (1 of 4 stars). 2 submissions from 2 submitters: Uncertain significance (1); Benign (1). Last evaluated 2025-11-30.

Conditions:
Hereditary cancer-predisposing syndrome. Also called: Tumor predisposition; Hereditary neoplastic syndrome; Hereditary Cancer Syndrome; Neoplastic Syndromes, Hereditary. Identifiers: Orphanet 140162, MedGen C0027672, MeSH D009386, MONDO:0015356.
Oligodontia-cancer predisposition syndrome. Also called: TOOTH AGENESIS-COLORECTAL CANCER SYNDROME. Identifiers: Orphanet 300576, MedGen C1837750, MONDO:0012075, OMIM 608615. Disease mechanism: loss of function.

Allele frequency attached by ClinVar (database versions not stated): ExAC 0.00001; TOPMed 0.00001.

Submissions (2):

Labcorp Genetics (formerly Invitae), Labcorp
Classification: Uncertain significance for Oligodontia-cancer predisposition syndrome. Last evaluated: 2025-11-30. Review status: criteria provided, single submitter. Criteria: Invitae Variant Classification Sherloc (09022015). Collection method: clinical testing. Allele origin: germline.
Comment: This sequence change replaces arginine, which is basic and polar, with cysteine, which is neutral and slightly polar, at codon 675 of the AXIN2 protein (p.Arg675Cys). This variant is present in population databases (rs765149006, gnomAD 0.02%). This variant has not been reported in the literature in individuals affected with AXIN2-related conditions. ClinVar contains an entry for this variant (Variation ID: 937523). An algorithm developed to predict the effect of missense changes on protein structure and function (PolyPhen-2) suggests that this variant is likely to be disruptive. In summary, the available evidence is currently insufficient to determine the role of this variant in disease. Therefore, it has been classified as a Variant of Uncertain Significance.

Ambry Genetics
Classification: Benign for Hereditary cancer-predisposing syndrome. Last evaluated: 2025-01-30. Review status: criteria provided, single submitter. Criteria: Ambry Variant Classification Scheme 2023. Collection method: clinical testing. Allele origin: germline.